The following is an entry in ClinVar:

ClinVar aggregate classification (germline): Uncertain significance. Review status: criteria provided, multiple submitters, no conflicts (2 of 4 stars). 2 submissions from 2 submitters: Uncertain significance (2). Last evaluated 2025-06-18.

Conditions:
Maple syrup urine disease (MSUD). Identifiers: Orphanet 511, MedGen C0024776, MeSH D008375, MONDO:0009563. Disease mechanism: loss of function.

Submissions (2):

Women's Health and Genetics/Laboratory Corporation of America, LabCorp
Classification: Uncertain significance. Last evaluated: 2025-06-18. Review status: criteria provided, single submitter. Criteria: LabCorp Variant Classification Summary - May 2015. Collection method: clinical testing. Allele origin: germline.
Comment: Variant summary: BCKDHA c.371G>C (p.Arg124Pro) results in a non-conservative amino acid change in the encoded protein sequence. Algorithms developed to predict the effect of missense changes on protein structure and function all suggest that this variant is likely to be disruptive. The variant was absent in 251176 control chromosomes. The available data on variant occurrences in the general population are insufficient to allow any conclusion about variant significance. To our knowledge, no occurrence of c.371G>C in individuals affected with Maple Syrup Urine Disease and no experimental evidence demonstrating its impact on protein function have been reported. ClinVar contains an entry for this variant (Variation ID: 1444208). Based on the evidence outlined above, the variant was classified as uncertain significance.

Labcorp Genetics (formerly Invitae), Labcorp
Classification: Uncertain significance for Maple syrup urine disease. Last evaluated: 2021-09-17. Review status: criteria provided, single submitter. Criteria: Invitae Variant Classification Sherloc (09022015). Collection method: clinical testing. Allele origin: germline.
Comment: This sequence change replaces arginine with proline at codon 124 of the BCKDHA protein (p.Arg124Pro). The arginine residue is highly conserved and there is a moderate physicochemical difference between arginine and proline. This variant is not present in population databases (ExAC no frequency). This variant has not been reported in the literature in individuals affected with BCKDHA-related conditions. Advanced modeling of protein sequence and biophysical properties (such as structural, functional, and spatial information, amino acid conservation, physicochemical variation, residue mobility, and thermodynamic stability) performed at Invitae indicates that this missense variant is expected to disrupt BCKDHA protein function. In summary, the available evidence is currently insufficient to determine the role of this variant in disease. Therefore, it has been classified as a Variant of Uncertain Significance.

NM_000709.4(BCKDHA):c.371G>C (p.Arg124Pro)

Gene: BCKDHA (branched chain keto acid dehydrogenase E1 subunit alpha; plus strand). Cytogenetic location: 19q13.2.
Variant type: single nucleotide variant.
Coding change: c.371G>C on transcript NM_000709.4 (MANE Select); coding-DNA position 371, G replaced by C.
Protein change: p.Arg124Pro; replaces arginine 124 with proline.
Molecular consequence: missense variant.
Genome position (GRCh38, 1-based): chr19:41,411,005, G>C. VCF-style: chr19-41411005-G-C. GRCh37 (hg19) VCF-style: chr19-41916910-G-C.
Other names: c.371G>C, p.Arg124Pro (NM_001164783.2); short protein forms R124P.
Identifiers: ClinVar variation 1444208 (VCV001444208.6), dbSNP rs752700457, ClinGen allele CA406006091.